The following is an entry in ClinVar:

NM_001447.3(FAT2):c.829G>C (p.Val277Leu)

Gene: FAT2 (FAT atypical cadherin 2; minus strand). Cytogenetic location: 5q33.1.
Variant type: single nucleotide variant.
Coding change: c.829G>C on transcript NM_001447.3 (MANE Select); coding-DNA position 829, G replaced by C.
Protein change: p.Val277Leu; replaces valine 277 with leucine.
Molecular consequence: missense variant.
Genome position (GRCh38, 1-based): chr5:151,568,103, C>G on the plus strand (G>C on the coding strand, the complement: FAT2 is on the minus strand). VCF-style: chr5-151568103-C-G. GRCh37 (hg19) VCF-style: chr5-150947664-C-G.
Other names: short protein forms V277L.
Identifiers: ClinVar variation 774860 (VCV000774860.34), dbSNP rs145834206, ClinGen allele CA3522365.

ClinVar aggregate classification (germline): Benign/Likely benign. Review status: criteria provided, multiple submitters, no conflicts (2 of 4 stars). 4 submissions from 4 submitters: Benign (1); Likely benign (2). 1 of the submissions does not count toward it. Last evaluated 2026-08-01.

Conditions:
FAT2-related disorder. Also called: FAT2-related condition.
Spinocerebellar ataxia 45. Identifiers: Orphanet 589527, MedGen C4540400, MONDO:0033480, OMIM 617769.

Allele frequency attached by ClinVar (database versions not stated): 1000 Genomes Project 30x 0.00109; 1000 Genomes Project 0.00140; ESP Exome Variant Server 0.00208; TOPMed 0.00213; gnomAD 0.00410 and 0.00429.
gnomAD v4.1: 6,296 of 1,614,182 alleles (0.39%); highest among the groups gnomAD compares: Non-Finnish European, 0.37%; 34 homozygotes.

Submissions (4):

CeGaT Center for Human Genetics Tuebingen
Classification: Likely benign. Last evaluated: 2026-08-01. Review status: criteria provided, single submitter. Criteria: CeGaT Center For Human Genetics Tuebingen Variant Classification Criteria Version 2. Collection method: clinical testing. Allele origin: germline. Affected: yes. Observed: 14 variant alleles.
Comment: FAT2: PP2, BP4, BS2

Labcorp Genetics (formerly Invitae), Labcorp
Classification: Benign. Last evaluated: 2026-01-26. Review status: criteria provided, single submitter. Criteria: Invitae Variant Classification Sherloc (09022015). Collection method: clinical testing. Allele origin: germline.

Fulgent Genetics
Classification: Likely benign for Spinocerebellar ataxia 45. Last evaluated: 2021-10-05. Review status: criteria provided, single submitter. Criteria: ACMG Guidelines, 2015. Collection method: clinical testing. Allele origin: unknown.

PreventionGenetics, part of Exact Sciences
Classification: Benign for FAT2-related condition. Last evaluated: 2020-02-25. Review status: no assertion criteria provided. Collection method: clinical testing. Allele origin: germline. Not counted in ClinVar's aggregate classification.
Comment: This variant is classified as benign based on ACMG/AMP sequence variant interpretation guidelines (Richards et al. 2015 PMID: 25741868, with internal and published modifications).